The following is an entry in ClinVar:

NM_013372.7(GREM1):c.449C>T (p.Thr150Ile)

Gene: GREM1 (gremlin 1, DAN family BMP antagonist; plus strand). Cytogenetic location: 15q13.3.
Variant type: single nucleotide variant.
Coding change: c.449C>T on transcript NM_013372.7 (MANE Select); coding-DNA position 449, C replaced by T.
Protein change: p.Thr150Ile; replaces threonine 150 with isoleucine.
Molecular consequence: missense variant.
Genome position (GRCh38, 1-based): chr15:32,731,139, C>T. VCF-style: chr15-32731139-C-T. GRCh37 (hg19) VCF-style: chr15-33023340-C-T.
Other names: c.239C>T, p.Thr80Ile (NM_001191322.2); c.326C>T, p.Thr109Ile (NM_001191323.2); c.449C>T, p.Thr150Ile (NM_001368719.1); short protein forms T150I, T80I, T109I.
Identifiers: ClinVar variation 1741016 (VCV001741016.2), dbSNP rs202104240, ClinGen allele CA7456167.

ClinVar aggregate classification (germline): Uncertain significance (1 of 4 stars; one submission).

Conditions:
Hereditary cancer-predisposing syndrome. Also called: Hereditary Cancer Syndrome; Hereditary neoplastic syndrome; Neoplastic Syndromes, Hereditary; Tumor predisposition. Identifiers: Orphanet 140162, MedGen C0027672, MeSH D009386, MONDO:0015356.

Allele frequency attached by ClinVar (database versions not stated): ExAC 0.00003; TOPMed 0.00003; gnomAD 0.00004; ESP Exome Variant Server 0.00015.

Submission:

Ambry Genetics
Classification: Uncertain significance for Hereditary cancer-predisposing syndrome. Last evaluated: 2024-02-22. Review status: criteria provided, single submitter. Criteria: Ambry Variant Classification Scheme 2023. Collection method: clinical testing. Allele origin: germline.
Comment: The p.T150I variant (also known as c.449C>T), located in coding exon 1 of the GREM1 gene, results from a C to T substitution at nucleotide position 449. The threonine at codon 150 is replaced by isoleucine, an amino acid with similar properties. This amino acid position is conserved. In addition, the in silico prediction for this alteration is inconclusive. Since supporting evidence is limited at this time, the clinical significance of this alteration remains unclear.